The following is an entry in ClinVar:

ClinVar aggregate classification (germline): Uncertain significance (1 of 4 stars; one submission).

Conditions:
Catecholaminergic polymorphic ventricular tachycardia 1. Also called: VENTRICULAR TACHYCARDIA, CATECHOLAMINERGIC POLYMORPHIC, 1, WITH OR WITHOUT ATRIAL DYSFUNCTION AND/OR DILATED CARDIOMYOPATHY; VENTRICULAR TACHYCARDIA, STRESS-INDUCED POLYMORPHIC 1; RYR2-Related Catecholaminergic Polymorphic Ventricular Tachycardia. Identifiers: Orphanet 3286, MedGen C1631597, MONDO:0011484, OMIM 604772.

Submission:

Labcorp Genetics (formerly Invitae), Labcorp
Classification: Uncertain significance for Catecholaminergic polymorphic ventricular tachycardia 1. Last evaluated: 2019-07-05. Review status: criteria provided, single submitter. Criteria: Invitae Variant Classification Sherloc (09022015). Collection method: clinical testing. Allele origin: germline.
Comment: In summary, the available evidence is currently insufficient to determine the role of this variant in disease. Therefore, it has been classified as a Variant of Uncertain Significance. Nucleotide substitutions within the consensus splice site are a relatively common cause of aberrant splicing (PMID: 17576681, 9536098). Algorithms developed to predict the effect of sequence changes on RNA splicing suggest that this variant is not likely to affect RNA splicing, but this prediction has not been confirmed by published transcriptional studies. This variant has not been reported in the literature in individuals with RYR2-related conditions. This variant is not present in population databases (ExAC no frequency). This sequence change falls in intron 7 of the RYR2 gene. It does not directly change the encoded amino acid sequence of the RYR2 protein, but it affects a nucleotide within the consensus splice site of the intron.

Literature cited by the submitters: PubMed 17576681; PubMed 9536098.

NM_001035.3(RYR2):c.463+6C>A

Gene: RYR2 (ryanodine receptor 2; plus strand). Cytogenetic location: 1q43.
Variant type: single nucleotide variant.
Coding change: c.463+6C>A on transcript NM_001035.3 (MANE Select); 6 bases into the intron after coding-DNA position 463, C replaced by A.
Molecular consequence: intron variant.
Genome position (GRCh38, 1-based): chr1:237,374,801, C>A. VCF-style: chr1-237374801-C-A. GRCh37 (hg19) VCF-style: chr1-237538101-C-A.
Identifiers: ClinVar variation 948487 (VCV000948487.11), dbSNP rs397516533, ClinGen allele CA1139656647.